The following is an entry in ClinVar:

ClinVar aggregate classification (germline): Uncertain significance (0 of 4 stars; one submission).

Conditions:
NCOA1-related disorder. Also called: NCOA1-related condition.

gnomAD v4.1: 5 of 1,614,248 alleles (0.00031%); highest among the groups gnomAD compares: Non-Finnish European, 0.00042%; no homozygotes.

Submission:

PreventionGenetics, part of Exact Sciences
Classification: Uncertain significance for NCOA1-related condition. Last evaluated: 2023-12-07. Review status: no assertion criteria provided. Collection method: clinical testing. Allele origin: germline.
Comment: The NCOA1 c.1807A>C variant is predicted to result in the amino acid substitution p.Ser603Arg. To our knowledge, this variant has not been reported in the literature or in a large population database, indicating this variant is rare. At this time, the clinical significance of this variant is uncertain due to the absence of conclusive functional and genetic evidence.

NM_003743.5(NCOA1):c.1807A>C (p.Ser603Arg)

Gene: NCOA1 (nuclear receptor coactivator 1; plus strand). Cytogenetic location: 2p23.3.
Variant type: single nucleotide variant.
Coding change: c.1807A>C on transcript NM_003743.5 (MANE Select); coding-DNA position 1807, A replaced by C.
Protein change: p.Ser603Arg; replaces serine 603 with arginine.
Molecular consequence: missense variant.
Genome position (GRCh38, 1-based): chr2:24,707,277, A>C. VCF-style: chr2-24707277-A-C. GRCh37 (hg19) VCF-style: chr2-24930146-A-C.
Other names: c.1807A>C, p.Ser603Arg (NM_001362950.1, NM_001362952.1, NM_001362954.1 and 3 more transcripts); short protein forms S603R.
Identifiers: ClinVar variation 3348565 (VCV003348565.1).